The following is an entry in ClinVar:

NM_014874.4(MFN2):c.475-1G>C

Gene: MFN2 (mitofusin 2; plus strand). Cytogenetic location: 1p36.22.
Variant type: single nucleotide variant.
Coding change: c.475-1G>C on transcript NM_014874.4 (MANE Select); the canonical splice acceptor site of the intron before coding-DNA position 475, G replaced by C.
Molecular consequence: splice acceptor variant.
Genome position (GRCh38, 1-based): chr1:11,997,296, G>C. VCF-style: chr1-11997296-G-C. GRCh37 (hg19) VCF-style: chr1-12057353-G-C.
Other names: c.475-1G>C (NM_001127660.2).
Identifiers: ClinVar variation 637718 (VCV000637718.12), dbSNP rs1569834500, ClinGen allele CA338436168.
Genomic context (GRCh38, chr1:11,997,296, plus strand): 5'-AGGAAATCTCCTGGCCTGGTGGTTCCTCCTCAGCCTCTTTCTTTCCTTCCTCTGCCATCA[G>C]ACTGTGAACCAGCTGGCCCATGCCCTCCACCAGGACAAGCAGCTCCATGCCGGCAGCCTA-3'

ClinVar aggregate classification (germline): Pathogenic. Review status: criteria provided, multiple submitters, no conflicts (2 of 4 stars). 3 submissions from 3 submitters: Pathogenic (2). 1 of the submissions does not count toward it. Last evaluated 2024-02-19.

Conditions:
MFN2-related disorder. Also called: MFN2-related condition; MFN2-related disorders.
Charcot-Marie-Tooth disease. Also called: Charcot-Marie-Tooth Hereditary Neuropathy; Charcot-Marie-Tooth Neuropathy. Identifiers: Orphanet 166, MedGen C0007959, MONDO:0015626.
Charcot-Marie-Tooth disease type 2. Also called: Charcot-Marie-Tooth type 2. Identifiers: Orphanet 64746, MedGen C0270914, MONDO:0018993.

Submissions (3):

Labcorp Genetics (formerly Invitae), Labcorp
Classification: Pathogenic for Charcot-Marie-Tooth disease type 2. Last evaluated: 2024-02-19. Review status: criteria provided, single submitter. Criteria: Invitae Variant Classification Sherloc (09022015). Collection method: clinical testing. Allele origin: germline.
Comment: This sequence change affects an acceptor splice site in intron 5 of the MFN2 gene. It is expected to disrupt RNA splicing. Variants that disrupt the donor or acceptor splice site typically lead to a loss of protein function (PMID: 16199547), and loss-of-function variants in MFN2 are known to be pathogenic (PMID: 16714318, 16835246, 21715711, 23781337, 26955893). This variant is not present in population databases (gnomAD no frequency). Disruption of this splice site has been observed in individuals with autosomal dominant Charcot-Marie-Tooth disease (PMID: 18425620, 22206013). ClinVar contains an entry for this variant (Variation ID: 637718). Algorithms developed to predict the effect of sequence changes on RNA splicing suggest that this variant may disrupt the consensus splice site. For these reasons, this variant has been classified as Pathogenic.

Blueprint Genetics
Classification: Pathogenic for MFN2-related disorders. Last evaluated: 2021-09-06. Review status: criteria provided, single submitter. Criteria: ACMG Guidelines, 2015. Collection method: clinical testing. Allele origin: germline. Affected: yes. Observed: 1 variant allele.

Inherited Neuropathy Consortium
Classification: Uncertain significance for Charcot-Marie-Tooth disease. Review status: no assertion criteria provided. Collection method: literature only. Allele origin: germline. Affected: yes. Not counted in ClinVar's aggregate classification.

Literature cited by the submitters: PubMed 16199547 (cited by Labcorp Genetics (formerly Invitae), Labcorp); PubMed 16714318 (cited by Labcorp Genetics (formerly Invitae), Labcorp); PubMed 16835246 (cited by Labcorp Genetics (formerly Invitae), Labcorp); PubMed 21715711 (cited by Labcorp Genetics (formerly Invitae), Labcorp); PubMed 23781337 (cited by Labcorp Genetics (formerly Invitae), Labcorp); PubMed 26955893 (cited by Labcorp Genetics (formerly Invitae), Labcorp); PubMed 18425620 (cited by Labcorp Genetics (formerly Invitae), Labcorp and Inherited Neuropathy Consortium); PubMed 22206013 (cited by Labcorp Genetics (formerly Invitae), Labcorp).